The following is an entry in ClinVar:

ClinVar aggregate classification (germline): Uncertain significance (1 of 4 stars; one submission).

Allele frequency attached by ClinVar (database versions not stated): gnomAD exomes 0.00001; gnomAD 0.00001; TOPMed 0.00001.
gnomAD v4.1: 13 of 1,613,882 alleles (0.00081%); highest among the groups gnomAD compares: Admixed American, 0.0017%; no homozygotes.

Submission:

Labcorp Genetics (formerly Invitae), Labcorp
Classification: Uncertain significance. Last evaluated: 2025-02-06. Review status: criteria provided, single submitter. Criteria: Invitae Variant Classification Sherloc (09022015). Collection method: clinical testing. Allele origin: germline.
Comment: This sequence change replaces arginine, which is basic and polar, with glutamine, which is neutral and polar, at codon 127 of the RPL9 protein (p.Arg127Gln). This variant is not present in population databases (gnomAD no frequency). This variant has not been reported in the literature in individuals affected with RPL9-related conditions. ClinVar contains an entry for this variant (Variation ID: 2884694). An algorithm developed to predict the effect of missense changes on protein structure and function (PolyPhen-2) suggests that this variant is likely to be tolerated. In summary, the available evidence is currently insufficient to determine the role of this variant in disease. Therefore, it has been classified as a Variant of Uncertain Significance.

NM_000661.5(RPL9):c.380G>A (p.Arg127Gln)

Gene: RPL9 (ribosomal protein L9; minus strand). Cytogenetic location: 4p14.
Variant type: single nucleotide variant.
Coding change: c.380G>A on transcript NM_000661.5 (MANE Select); coding-DNA position 380, G replaced by A.
Protein change: p.Arg127Gln; replaces arginine 127 with glutamine.
Molecular consequence: missense variant.
Genome position (GRCh38, 1-based): chr4:39,456,417, C>T on the plus strand (G>A on the coding strand, the complement: RPL9 is on the minus strand). VCF-style: chr4-39456417-C-T. GRCh37 (hg19) VCF-style: chr4-39458037-C-T.
Other names: c.380G>A, p.Arg127Gln (NM_001024921.4); short protein forms R127Q.
Identifiers: ClinVar variation 2884694 (VCV002884694.3), dbSNP rs1345812176, ClinGen allele CA356662204.